The following is an entry in ClinVar:

ClinVar aggregate classification (germline): Uncertain significance. Review status: criteria provided, multiple submitters, no conflicts (2 of 4 stars). 3 submissions from 3 submitters: Uncertain significance (3). Last evaluated 2025-11-11.

Conditions:
Inborn genetic diseases. Identifiers: MedGen C0950123, MeSH D030342.

Allele frequency attached by ClinVar (database versions not stated): gnomAD 0.00001; TOPMed below 0.00001; gnomAD exomes 0.00001.
gnomAD v4.1: 5 of 1,613,978 alleles (0.00031%); highest among the groups gnomAD compares: Middle Eastern, 0.016%; no homozygotes.

Submissions (3):

Labcorp Genetics (formerly Invitae), Labcorp
Classification: Uncertain significance. Last evaluated: 2025-11-11. Review status: criteria provided, single submitter. Criteria: Invitae Variant Classification Sherloc (09022015). Collection method: clinical testing. Allele origin: germline.
Comment: This sequence change replaces leucine, which is neutral and non-polar, with serine, which is neutral and polar, at codon 73 of the ANKRD26 protein (p.Leu73Ser). This variant is present in population databases (no rsID available, gnomAD 0.003%). This variant has not been reported in the literature in individuals affected with ANKRD26-related conditions. ClinVar contains an entry for this variant (Variation ID: 1801205). An algorithm developed to predict the effect of missense changes on protein structure and function (PolyPhen-2) suggests that this variant is likely to be disruptive. In summary, the available evidence is currently insufficient to determine the role of this variant in disease. Therefore, it has been classified as a Variant of Uncertain Significance.

Ambry Genetics
Classification: Uncertain significance for Inborn genetic diseases. Last evaluated: 2024-11-21. Review status: criteria provided, single submitter. Criteria: Ambry Variant Classification Scheme 2023. Collection method: clinical testing. Allele origin: germline.
Comment: The p.L73S variant (also known as c.218T>C), located in coding exon 1 of the ANKRD26 gene, results from a T to C substitution at nucleotide position 218. The leucine at codon 73 is replaced by serine, an amino acid with dissimilar properties. This amino acid position is conserved. In addition, this alteration is predicted to be tolerated by in silico analysis. Based on the available evidence, the clinical significance of this variant remains unclear.

GeneDx
Classification: Uncertain significance. Last evaluated: 2023-11-13. Review status: criteria provided, single submitter. Criteria: GeneDx Variant Classification Process June 2021. Collection method: clinical testing. Allele origin: germline.
Comment: Not observed at significant frequency in large population cohorts (gnomAD); In silico analysis supports that this missense variant has a deleterious effect on protein structure/function; Has not been previously published as pathogenic or benign to our knowledge

NM_014915.3(ANKRD26):c.218T>C (p.Leu73Ser)

Gene: ANKRD26 (ankyrin repeat domain 26; minus strand). Cytogenetic location: 10p12.1.
Variant type: single nucleotide variant.
Coding change: c.218T>C on transcript NM_014915.3 (MANE Select); coding-DNA position 218, T replaced by C.
Protein change: p.Leu73Ser; replaces leucine 73 with serine.
Molecular consequence: missense variant.
Genome position (GRCh38, 1-based): chr10:27,100,109, A>G on the plus strand (T>C on the coding strand, the complement: ANKRD26 is on the minus strand). VCF-style: chr10-27100109-A-G. GRCh37 (hg19) VCF-style: chr10-27389038-A-G.
Other names: c.218T>C, p.Leu73Ser (NM_001256053.2); short protein forms L73S.
Identifiers: ClinVar variation 1801205 (VCV001801205.5), dbSNP rs1293156804, ClinGen allele CA376369436.